The following is an entry in ClinVar:

ClinVar aggregate classification (germline): Benign/Likely benign. Review status: criteria provided, multiple submitters, no conflicts (2 of 4 stars). 4 submissions from 4 submitters: Benign (1); Likely benign (3). Last evaluated 2025-08-25.

Conditions:
Tuberous sclerosis syndrome (TSC). Also called: Tuberous Sclerosis Complex; Tuberous sclerosis. Identifiers: Orphanet 805, MedGen C0041341, MONDO:0001734.
Tuberous sclerosis 2 (TSC2). Identifiers: Orphanet 805, MedGen C1860707, MONDO:0013199, OMIM 613254.
Hereditary cancer-predisposing syndrome. Also called: Tumor predisposition; Neoplastic Syndromes, Hereditary; Hereditary Cancer Syndrome; Hereditary neoplastic syndrome. Identifiers: Orphanet 140162, MedGen C0027672, MeSH D009386, MONDO:0015356.

gnomAD v4.1: 1 of 1,593,746 alleles (0.000063%); highest among the groups gnomAD compares: Non-Finnish European, 0.000085%; no homozygotes.

Submissions (4):

Ambry Genetics
Classification: Likely benign for Hereditary cancer-predisposing syndrome. Last evaluated: 2025-08-25. Review status: criteria provided, single submitter. Criteria: Ambry Variant Classification Scheme 2023. Collection method: clinical testing. Allele origin: germline.

Myriad Genetics, Inc.
Classification: Benign for Tuberous sclerosis 2. Last evaluated: 2025-06-02. Review status: criteria provided, single submitter. Criteria: Myriad Autosomal Dominant, Autosomal Recessive and X-Linked Classification Criteria (2023). Collection method: clinical testing. Allele origin: unknown.
Comment: This variant is considered benign. This variant is a silent/synonymous amino acid change and it is not expected to impact splicing.

Labcorp Genetics (formerly Invitae), Labcorp
Classification: Likely benign for Tuberous sclerosis 2. Last evaluated: 2023-10-23. Review status: criteria provided, single submitter. Criteria: Invitae Variant Classification Sherloc (09022015). Collection method: clinical testing. Allele origin: germline.

All of Us Research Program, National Institutes of Health
Classification: Likely benign for Tuberous sclerosis syndrome. Last evaluated: 2023-04-28. Review status: criteria provided, single submitter. Criteria: ACMG Guidelines, 2015. Collection method: clinical testing. Allele origin: germline. Inheritance: Autosomal dominant inheritance. Observed: 1 variant allele, 1 heterozygote.
Comment: This study involves interpretation of variants in research participants for the purpose of population health screening. Participant phenotype was not available at the time of variant classification. Additional details can be found in publication PMID: 35346344, PMCID: PMC8962531

NM_000548.5(TSC2):c.3906G>A (p.Glu1302=)

Gene: TSC2 (TSC complex subunit 2; plus strand). Cytogenetic location: 16p13.3.
Variant type: single nucleotide variant.
Coding change: c.3906G>A on transcript NM_000548.5 (MANE Select); coding-DNA position 3906, G replaced by A.
Protein change: p.Glu1302=; no amino-acid change (glutamic acid 1302 retained).
Molecular consequence: synonymous variant.
Genome position (GRCh38, 1-based): chr16:2,083,717, G>A. VCF-style: chr16-2083717-G-A. GRCh37 (hg19) VCF-style: chr16-2133718-G-A.
Other names: c.3705G>A, p.Glu1235= (NM_001077183.3); c.3837G>A, p.Glu1279= (NM_001114382.3); c.3597G>A, p.Glu1199= (NM_001318827.2); c.3561G>A, p.Glu1187= (NM_001318829.2); c.3174G>A, p.Glu1058= (NM_001318831.2); c.3738G>A, p.Glu1246= (NM_001318832.2); c.3708G>A, p.Glu1236= (NM_001363528.2); c.3774G>A, p.Glu1258= (NM_001370404.1); and 2 more.
Identifiers: ClinVar variation 1091678 (VCV001091678.12), dbSNP rs2151510679, ClinGen allele CA492956155.